The following is an entry in ClinVar:

NM_022773.4(LMF1):c.1105G>A (p.Val369Ile)

Gene: LMF1 (lipase maturation factor 1; minus strand). Cytogenetic location: 16p13.3.
Variant type: single nucleotide variant.
Coding change: c.1105G>A on transcript NM_022773.4 (MANE Select); coding-DNA position 1105, G replaced by A.
Protein change: p.Val369Ile; replaces valine 369 with isoleucine.
Molecular consequence: missense variant. On other transcripts: non-coding transcript variant (1).
Genome position (GRCh38, 1-based): chr16:870,856, C>T on the plus strand (G>A on the coding strand, the complement: LMF1 is on the minus strand). VCF-style: chr16-870856-C-T. GRCh37 (hg19) VCF-style: chr16-920856-C-T.
Other names: c.454G>A, p.Val152Ile (NM_001352017.2, NM_001352021.2); c.706G>A, p.Val236Ile (NM_001352018.2); c.778G>A, p.Val260Ile (NM_001352019.2); c.1105G>A, p.Val369Ile (NM_001352020.1); c.1105G>A (NM_022773.2); short protein forms V260I, V152I, V236I, V369I.
Identifiers: ClinVar variation 1444684 (VCV001444684.7), dbSNP rs373856375, ClinGen allele CA7797176.

ClinVar aggregate classification (germline): Uncertain significance. Review status: criteria provided, multiple submitters, no conflicts (2 of 4 stars). 2 submissions from 2 submitters: Uncertain significance (2). Last evaluated 2024-03-25.

Conditions:
Cardiovascular phenotype. Identifiers: MedGen CN230736.

Allele frequency attached by ClinVar (database versions not stated): gnomAD exomes 0.00005; ESP Exome Variant Server 0.00008.
gnomAD v4.1: 79 of 1,610,484 alleles (0.0049%); highest among the groups gnomAD compares: African/African-American, 0.012%; no homozygotes.

Submissions (2):

Ambry Genetics
Classification: Uncertain significance for Cardiovascular phenotype. Last evaluated: 2024-03-25. Review status: criteria provided, single submitter. Criteria: Ambry Variant Classification Scheme 2023. Collection method: clinical testing. Allele origin: germline.

Labcorp Genetics (formerly Invitae), Labcorp
Classification: Uncertain significance. Last evaluated: 2022-12-02. Review status: criteria provided, single submitter. Criteria: Invitae Variant Classification Sherloc (09022015). Collection method: clinical testing. Allele origin: germline.
Comment: Algorithms developed to predict the effect of missense changes on protein structure and function output the following: SIFT: "Tolerated"; PolyPhen-2: "Benign"; Align-GVGD: "Class C0". The isoleucine amino acid residue is found in multiple mammalian species, which suggests that this missense change does not adversely affect protein function. ClinVar contains an entry for this variant (Variation ID: 1444684). This variant has not been reported in the literature in individuals affected with LMF1-related conditions. This variant is present in population databases (rs373856375, gnomAD 0.03%). This sequence change replaces valine, which is neutral and non-polar, with isoleucine, which is neutral and non-polar, at codon 369 of the LMF1 protein (p.Val369Ile). In summary, the available evidence is currently insufficient to determine the role of this variant in disease. Therefore, it has been classified as a Variant of Uncertain Significance.